The following is an entry in ClinVar:

NM_015213.4(DENND5A):c.1175T>C (p.Ile392Thr)

Gene: DENND5A (DENN domain containing 5A; minus strand). Cytogenetic location: 11p15.4.
Variant type: single nucleotide variant.
Coding change: c.1175T>C on transcript NM_015213.4 (MANE Select); coding-DNA position 1175, T replaced by C.
Protein change: p.Ile392Thr; replaces isoleucine 392 with threonine.
Molecular consequence: missense variant. On other transcripts: non-coding transcript variant (1).
Genome position (GRCh38, 1-based): chr11:9,181,047, A>G on the plus strand (T>C on the coding strand, the complement: DENND5A is on the minus strand). VCF-style: chr11-9181047-A-G. GRCh37 (hg19) VCF-style: chr11-9202594-A-G.
Other names: c.1175T>C, p.Ile392Thr (NM_001243254.2); c.1103T>C, p.Ile368Thr (NM_001348749.2); c.887T>C, p.Ile296Thr (NM_001348750.2); c.1175T>C (NM_015213.3); short protein forms I368T, I296T, I392T.
Identifiers: ClinVar variation 1494572 (VCV001494572.5), dbSNP rs771353078, ClinGen allele CA5877653.

ClinVar aggregate classification (germline): Uncertain significance. Review status: criteria provided, multiple submitters, no conflicts (2 of 4 stars). 2 submissions from 2 submitters: Uncertain significance (2). Last evaluated 2025-04-11.

Conditions:
Inborn genetic diseases. Identifiers: MedGen C0950123, MeSH D030342.

Allele frequency attached by ClinVar (database versions not stated): gnomAD exomes 0.00002 and 0.00001; TOPMed 0.00007; gnomAD 0.00008 and 0.00007; ExAC 0.00002.
gnomAD v4.1: 28 of 1,614,062 alleles (0.0017%); highest among the groups gnomAD compares: African/African-American, 0.027%; no homozygotes.

Submissions (2):

Ambry Genetics
Classification: Uncertain significance for Inborn genetic diseases. Last evaluated: 2025-04-11. Review status: criteria provided, single submitter. Criteria: Ambry Variant Classification Scheme 2023. Collection method: clinical testing. Allele origin: germline.

Labcorp Genetics (formerly Invitae), Labcorp
Classification: Uncertain significance. Last evaluated: 2023-12-11. Review status: criteria provided, single submitter. Criteria: Invitae Variant Classification Sherloc (09022015). Collection method: clinical testing. Allele origin: germline.
Comment: This sequence change replaces isoleucine, which is neutral and non-polar, with threonine, which is neutral and polar, at codon 392 of the DENND5A protein (p.Ile392Thr). This variant is present in population databases (rs771353078, gnomAD 0.03%). This variant has not been reported in the literature in individuals affected with DENND5A-related conditions. ClinVar contains an entry for this variant (Variation ID: 1494572). Advanced modeling of protein sequence and biophysical properties (such as structural, functional, and spatial information, amino acid conservation, physicochemical variation, residue mobility, and thermodynamic stability) performed at Invitae indicates that this missense variant is not expected to disrupt DENND5A protein function with a negative predictive value of 80%. In summary, the available evidence is currently insufficient to determine the role of this variant in disease. Therefore, it has been classified as a Variant of Uncertain Significance.